The following is an entry in ClinVar:

NM_000176.3(NR3C1):c.910G>C (p.Ala304Pro)

Gene: NR3C1 (nuclear receptor subfamily 3 group C member 1; minus strand). Cytogenetic location: 5q31.3.
Variant type: single nucleotide variant.
Coding change: c.910G>C on transcript NM_000176.3 (MANE Select); coding-DNA position 910, G replaced by C.
Protein change: p.Ala304Pro; replaces alanine 304 with proline.
Molecular consequence: missense variant. On other transcripts: 5 prime UTR variant (3).
Genome position (GRCh38, 1-based): chr5:143,399,930, C>G on the plus strand (G>C on the coding strand, the complement: NR3C1 is on the minus strand). VCF-style: chr5-143399930-C-G. GRCh37 (hg19) VCF-style: chr5-142779495-C-G.
Other names: c.910G>C, p.Ala304Pro (NM_001018074.1, NM_001018075.1, NM_001018076.2 and 10 more transcripts); c.832G>C, p.Ala278Pro (NM_001204258.2); c.655G>C, p.Ala219Pro (NM_001204259.2); c.643G>C, p.Ala215Pro (NM_001204260.2); c.619G>C, p.Ala207Pro (NM_001204261.2); c.-36G>C (NM_001204262.2); c.-81G>C (NM_001204263.2); c.-96G>C (NM_001204264.2); short protein forms A207P, A215P, A219P, A278P, A304P.
Identifiers: ClinVar variation 1702782 (VCV001702782.2), dbSNP rs888905549, ClinGen allele CA129264868.
Genomic context (GRCh38, chr5:143,399,930, plus strand): 5'-CACCATGAACAGAAATGGCAGACATTTTATTACCAATTATATTTGCTCCAGGAAAGCTTG[C>G]CTGACAGTAAACTGTGCCCAGTTTCTCTTGCTTAATTACCCCAGGGGTGCAGAGTTCGAT-3'
Protein context (NP_000167.1, residues 294-314): QEKLGTVYCQ[Ala304Pro]SFPGANIIGN

ClinVar aggregate classification (germline): Uncertain significance (1 of 4 stars; one submission).

Submission:

GeneDx
Classification: Uncertain significance. Last evaluated: 2022-02-16. Review status: criteria provided, single submitter. Criteria: GeneDx Variant Classification Process June 2021. Collection method: clinical testing. Allele origin: germline. Affected: yes.
Comment: Not observed at significant frequency in large population cohorts (gnomAD); In silico analysis supports that this missense variant does not alter protein structure/function; Has not been previously published as pathogenic or benign to our knowledge